The following is an entry in ClinVar:

NM_015909.4(NBAS):c.2423+403G>C

Gene: NBAS (NBAS subunit of NRZ tethering complex; minus strand). Cytogenetic location: 2p24.3.
Variant type: single nucleotide variant.
Coding change: c.2423+403G>C on transcript NM_015909.4 (MANE Select); 403 bases into the intron after coding-DNA position 2423, G replaced by C.
Molecular consequence: intron variant.
Genome position (GRCh38, 1-based): chr2:15,427,308, C>G on the plus strand (G>C on the coding strand, the complement: NBAS is on the minus strand). VCF-style: chr2-15427308-C-G. GRCh37 (hg19) VCF-style: chr2-15567432-C-G.
Other names: IVS22, G-C, +403; c.2423+403G>C (NM_015909.3).
Identifiers: ClinVar variation 2502016 (VCV002502016.4), dbSNP rs961020996, ClinGen allele CA42633974.

ClinVar aggregate classification (germline): Uncertain significance. Review status: criteria provided, single submitter (1 of 4 stars). 3 submissions from 3 submitters: Uncertain significance (1). 2 of the submissions do not count toward it. Last evaluated 2022-11-09.

Conditions:
Short stature-optic atrophy-Pelger-Huët anomaly syndrome. Also called: Short stature-optic atrophy-Pelger-HuC+t anomaly syndrome; Short stature, optic nerve atrophy, and Pelger-Huet anomaly. Identifiers: Orphanet 391677, MedGen C3541319, MONDO:0013889, OMIM 614800.

Allele frequency attached by ClinVar (database versions not stated): gnomAD 0.00001.
gnomAD v4.1: 1 of 152,124 alleles (0.00066%); highest among the groups gnomAD compares: African/African-American, 0.0024%; no homozygotes.

Submissions (3):

GeneDx
Classification: Uncertain significance. Last evaluated: 2022-11-09. Review status: criteria provided, single submitter. Criteria: GeneDx Variant Classification Process June 2021. Collection method: clinical testing. Allele origin: germline. Affected: yes.
Comment: Has not been previously published as pathogenic or benign to our knowledge; No data available from control populations to assess the frequency of this variant; In silico analysis suggests this variant may impact gene splicing. In the absence of RNA/functional studies, the actual effect of this sequence change is unknown.

OMIM
Classification: Pathogenic for SHORT STATURE, OPTIC NERVE ATROPHY, AND PELGER-HUET ANOMALY. Last evaluated: 2025-05-30. Review status: no assertion criteria provided. Collection method: literature only. Allele origin: germline. Not counted in ClinVar's aggregate classification.

Undiagnosed Diseases Network, NIH
Classification: Uncertain significance for Short stature-optic atrophy-Pelger-Huët anomaly syndrome. Last evaluated: 2023-01-13. Review status: no assertion criteria provided. Collection method: clinical testing. Allele origin: unknown. Affected: yes. Observed: 1 variant allele, 1 compound heterozygote. Study: Undiagnosed Diseases Network (NIH), UDN. Not counted in ClinVar's aggregate classification.

Literature cited by the submitters: PubMed 40215727 (cited by OMIM).